The following is an entry in ClinVar:

ClinVar aggregate classification (germline): Benign (1 of 4 stars; one submission).

Allele frequency attached by ClinVar (database versions not stated): 1000 Genomes Project 0.19649; 1000 Genomes Project 30x 0.20081; TOPMed 0.23287; gnomAD 0.23867 and 0.24326.
gnomAD v4.1: 36,087 of 151,872 alleles (24%); highest among the groups gnomAD compares: African/African-American, 25%; 4,380 homozygotes.

Submission:

GeneDx
Classification: Benign. Last evaluated: 2018-06-19. Review status: criteria provided, single submitter. Criteria: GeneDx Variant Classification (06012015). Collection method: clinical testing. Allele origin: germline. Affected: yes.
Comment: This variant is considered likely benign or benign based on one or more of the following criteria: it is a conservative change, it occurs at a poorly conserved position in the protein, it is predicted to be benign by multiple in silico algorithms, and/or has population frequency not consistent with disease.

NM_014244.5(ADAMTS2):c.2085+267G>A

Gene: ADAMTS2 (ADAM metallopeptidase with thrombospondin type 1 motif 2; minus strand). Cytogenetic location: 5q35.3.
Variant type: single nucleotide variant.
Coding change: c.2085+267G>A on transcript NM_014244.5 (MANE Select); 267 bases into the intron after coding-DNA position 2085, G replaced by A.
Molecular consequence: intron variant.
Genome position (GRCh38, 1-based): chr5:179,135,642, C>T on the plus strand (G>A on the coding strand, the complement: ADAMTS2 is on the minus strand). VCF-style: chr5-179135642-C-T. GRCh37 (hg19) VCF-style: chr5-178562643-C-T.
Identifiers: ClinVar variation 682702 (VCV000682702.1), dbSNP rs3776813, ClinGen allele CA12043540.